The following is an entry in ClinVar:

NM_020242.3(KIF15):c.3634A>G (p.Ile1212Val)

Gene: KIF15 (kinesin family member 15; plus strand). Cytogenetic location: 3p21.31.
Variant type: single nucleotide variant.
Coding change: c.3634A>G on transcript NM_020242.3 (MANE Select); coding-DNA position 3634, A replaced by G.
Protein change: p.Ile1212Val; replaces isoleucine 1212 with valine.
Molecular consequence: missense variant.
Genome position (GRCh38, 1-based): chr3:44,843,173, A>G. VCF-style: chr3-44843173-A-G. GRCh37 (hg19) VCF-style: chr3-44884665-A-G.
Other names: short protein forms I1212V.
Identifiers: ClinVar variation 2366543 (VCV002366543.4), dbSNP rs199665568, ClinGen allele CA2346649.

ClinVar aggregate classification (germline): Conflicting classifications of pathogenicity. Review status: criteria provided, conflicting classifications (1 of 4 stars). 2 submissions from 2 submitters: Uncertain significance (1); Likely benign (1). Last evaluated 2026-07-01.

Allele frequency attached by ClinVar (database versions not stated): gnomAD 0.00011; ExAC 0.00014; TOPMed 0.00014; ESP Exome Variant Server 0.00015; gnomAD exomes 0.00017.
gnomAD v4.1: 264 of 1,613,606 alleles (0.016%); highest among the groups gnomAD compares: Non-Finnish European, 0.021%; no homozygotes.

Submissions (2):

CeGaT Center for Human Genetics Tuebingen
Classification: Likely benign. Last evaluated: 2026-07-01. Review status: criteria provided, single submitter. Criteria: CeGaT Center For Human Genetics Tuebingen Variant Classification Criteria Version 2. Collection method: clinical testing. Allele origin: germline. Affected: yes. Observed: 1 variant allele.
Comment: KIF15: BP4, BS2

Ambry Genetics
Classification: Uncertain significance. Last evaluated: 2024-07-02. Review status: criteria provided, single submitter. Criteria: Ambry Variant Classification Scheme 2023. Collection method: clinical testing. Allele origin: germline.